The following is an entry in ClinVar:

ClinVar aggregate classification (germline): Uncertain significance (1 of 4 stars; one submission).

gnomAD v4.1: 1 of 1,613,756 alleles (0.000062%); highest among the groups gnomAD compares: Non-Finnish European, 0.000085%; no homozygotes.

Submission:

Ambry Genetics
Classification: Uncertain significance. Last evaluated: 2025-04-19. Review status: criteria provided, single submitter. Criteria: Ambry Variant Classification Scheme 2023. Collection method: clinical testing. Allele origin: germline.
Comment: The p.T352I variant (also known as c.1055C>T), located in coding exon 5 of the PALLD gene, results from a C to T substitution at nucleotide position 1055. The threonine at codon 352 is replaced by isoleucine, an amino acid with similar properties. This amino acid position is conserved. In addition, this alteration is predicted to be tolerated by in silico analysis. Based on the available evidence, the clinical significance of this variant remains unclear.

NM_001166108.2(PALLD):c.2567C>T (p.Thr856Ile)

Genes: CBR4 (carbonyl reductase 4; minus strand), PALLD (palladin, cytoskeletal associated protein; plus strand). Cytogenetic location: 4q32.3.
Variant type: single nucleotide variant.
Coding change: c.2567C>T on transcript NM_001166108.2 (MANE Select); coding-DNA position 2567, C replaced by T.
Protein change: p.Thr856Ile; replaces threonine 856 with isoleucine.
Molecular consequence: missense variant.
Genome position (GRCh38, 1-based): chr4:168,903,851, C>T. VCF-style: chr4-168903851-C-T. GRCh37 (hg19) VCF-style: chr4-169825002-C-T.
Other names: c.1370C>T, p.Thr457Ile (NM_001166109.2); c.1055C>T, p.Thr352Ile (NM_001166110.2); c.395C>T, p.Thr132Ile (NM_001367567.1, NM_001367569.1); c.446C>T, p.Thr149Ile (NM_001367568.1, NM_001367570.1); c.2516C>T, p.Thr839Ile (NM_016081.4); short protein forms T132I, T352I, T856I, T149I, T457I, T839I.
Identifiers: ClinVar variation 3927538 (VCV003927538.1).